The following is an entry in ClinVar:

ClinVar aggregate classification (germline): Uncertain significance (1 of 4 stars; one submission).

Conditions:
Hereditary pancreatitis (PCTT). Also called: Hereditary chronic pancreatitis; PRSS1-Related Hereditary Pancreatitis. Identifiers: Orphanet 676, MedGen C0238339, MONDO:0008185, OMIM 167800.

Submission:

Ambry Genetics
Classification: Uncertain significance for Hereditary pancreatitis. Last evaluated: 2024-05-10. Review status: criteria provided, single submitter. Criteria: Ambry Variant Classification Scheme 2023. Collection method: clinical testing. Allele origin: germline.
Comment: The p.C202Y variant (also known as c.605G>A), located in coding exon 6 of the CTRC gene, results from a G to A substitution at nucleotide position 605. The cysteine at codon 202 is replaced by tyrosine, an amino acid with highly dissimilar properties. This amino acid position is conserved. In addition, this alteration is predicted to be deleterious by in silico analysis. Based on the available evidence, the clinical significance of this variant remains unclear.

NM_007272.3(CTRC):c.605G>A (p.Cys202Tyr)

Gene: CTRC (chymotrypsin C; plus strand). Cytogenetic location: 1p36.21.
Variant type: single nucleotide variant.
Coding change: c.605G>A on transcript NM_007272.3 (MANE Select); coding-DNA position 605, G replaced by A.
Protein change: p.Cys202Tyr; replaces cysteine 202 with tyrosine.
Molecular consequence: missense variant.
Genome position (GRCh38, 1-based): chr1:15,444,717, G>A. VCF-style: chr1-15444717-G-A. GRCh37 (hg19) VCF-style: chr1-15771212-G-A.
Other names: short protein forms C202Y.
Identifiers: ClinVar variation 3270195 (VCV003270195.1).